The following is an entry in ClinVar:

NM_032482.3(DOT1L):c.4035C>T (p.Ala1345=)

Gene: DOT1L (DOT1 like histone lysine methyltransferase; plus strand). Cytogenetic location: 19p13.3.
Variant type: single nucleotide variant.
Coding change: c.4035C>T on transcript NM_032482.3 (MANE Select); coding-DNA position 4035, C replaced by T.
Protein change: p.Ala1345=; no amino-acid change (alanine 1345 retained).
Molecular consequence: synonymous variant.
Genome position (GRCh38, 1-based): chr19:2,226,556, C>T. VCF-style: chr19-2226556-C-T. GRCh37 (hg19) VCF-style: chr19-2226555-C-T.
Other names: c.4035C>T, p.Ala1345= (NM_001411141.1).
Identifiers: ClinVar variation 3898482 (VCV003898482.7).

ClinVar aggregate classification (germline): Likely benign (1 of 4 stars; one submission).

gnomAD v4.1: 2 of 1,600,420 alleles (0.00012%); highest among the groups gnomAD compares: South Asian, 0.0022%; no homozygotes.

Submission:

CeGaT Center for Human Genetics Tuebingen
Classification: Likely benign. Last evaluated: 2025-04-01. Review status: criteria provided, single submitter. Criteria: CeGaT Center For Human Genetics Tuebingen Variant Classification Criteria Version 2. Collection method: clinical testing. Allele origin: germline. Affected: yes. Observed: 1 variant allele.
Comment: DOT1L: BP4, BP7